The following is an entry in ClinVar:

NM_001354930.2(RIPK1):c.521A>C (p.Asn174Thr)

Gene: RIPK1 (receptor interacting serine/threonine kinase 1; plus strand). Cytogenetic location: 6p25.2.
Variant type: single nucleotide variant.
Coding change: c.521A>C on transcript NM_001354930.2 (MANE Select); coding-DNA position 521, A replaced by C.
Protein change: p.Asn174Thr; replaces asparagine 174 with threonine.
Molecular consequence: missense variant.
Genome position (GRCh38, 1-based): chr6:3,083,146, A>C. VCF-style: chr6-3083146-A-C. GRCh37 (hg19) VCF-style: chr6-3083380-A-C.
Other names: p.Asn174Thr; c.32A>C, p.Asn11Thr (NM_001317061.3, NM_001354932.2, NM_001354933.2 and 1 more transcripts); c.383A>C, p.Asn128Thr (NM_001354931.2); c.521A>C, p.Asn174Thr (NM_003804.6); c.521A>C (NM_003804.4); short protein forms N11T, N128T, N174T.
Identifiers: ClinVar variation 1005035 (VCV001005035.8), dbSNP rs764619495, ClinGen allele CA3618213.

ClinVar aggregate classification (germline): Uncertain significance. Review status: criteria provided, multiple submitters, no conflicts (2 of 4 stars). 3 submissions from 3 submitters: Uncertain significance (3). Last evaluated 2025-11-24.

Allele frequency attached by ClinVar (database versions not stated): ExAC 0.00002; gnomAD exomes 0.00004; TOPMed 0.00007.
gnomAD v4.1: 102 of 1,613,960 alleles (0.0063%); highest among the groups gnomAD compares: Non-Finnish European, 0.0081%; no homozygotes.

Submissions (3):

Labcorp Genetics (formerly Invitae), Labcorp
Classification: Uncertain significance. Last evaluated: 2025-11-24. Review status: criteria provided, single submitter. Criteria: Invitae Variant Classification Sherloc (09022015). Collection method: clinical testing. Allele origin: germline.
Comment: This sequence change replaces asparagine, which is neutral and polar, with threonine, which is neutral and polar, at codon 174 of the RIPK1 protein (p.Asn174Thr). This variant is present in population databases (rs764619495, gnomAD 0.006%). This missense change has been observed in individual(s) with RIPK1-related conditions (PMID: 35874679). ClinVar contains an entry for this variant (Variation ID: 1005035). An algorithm developed to predict the effect of missense changes on protein structure and function outputs the following: PolyPhen-2: "Benign". The threonine amino acid residue is found in multiple mammalian species, which suggests that this missense change does not adversely affect protein function. In summary, the available evidence is currently insufficient to determine the role of this variant in disease. Therefore, it has been classified as a Variant of Uncertain Significance.

GeneDx
Classification: Uncertain significance. Last evaluated: 2025-06-02. Review status: criteria provided, single submitter. Criteria: GeneDx Variant Classification Process June 2021. Collection method: clinical testing. Allele origin: germline. Affected: yes.
Comment: In silico analysis suggests that this missense variant does not alter protein structure/function; Observed in a patient with immunodeficiency, detailed clinical information was not provided (PMID: 35874679); This variant is associated with the following publications: (PMID: 35874679)

Mayo Clinic Laboratories, Mayo Clinic
Classification: Uncertain significance. Last evaluated: 2025-05-11. Review status: criteria provided, single submitter. Criteria: ACMG Guidelines, 2015. Collection method: clinical testing. Allele origin: germline. Observed: 1 variant allele.
Comment: BP4

Literature cited by the submitters: PubMed 35874679 (cited by Labcorp Genetics (formerly Invitae), Labcorp and Mayo Clinic Laboratories, Mayo Clinic).